The following is an entry in ClinVar:

NM_003680.4(YARS1):c.362C>G (p.Thr121Ser)

Gene: YARS1 (tyrosyl-tRNA synthetase 1; minus strand). Cytogenetic location: 1p35.1.
Variant type: single nucleotide variant.
Coding change: c.362C>G on transcript NM_003680.4 (MANE Select); coding-DNA position 362, C replaced by G.
Protein change: p.Thr121Ser; replaces threonine 121 with serine.
Molecular consequence: missense variant.
Genome position (GRCh38, 1-based): chr1:32,810,609, G>C on the plus strand (C>G on the coding strand, the complement: YARS1 is on the minus strand). VCF-style: chr1-32810609-G-C. GRCh37 (hg19) VCF-style: chr1-33276210-G-C.
Other names: short protein forms T121S.
Identifiers: ClinVar variation 959476 (VCV000959476.11), dbSNP rs748842928, ClinGen allele CA745223.

ClinVar aggregate classification (germline): Uncertain significance. Review status: criteria provided, multiple submitters, no conflicts (2 of 4 stars). 2 submissions from 2 submitters: Uncertain significance (2). Last evaluated 2026-09-01.

Conditions:
Charcot-Marie-Tooth disease dominant intermediate C (CMTDIC). Also called: CHARCOT-MARIE-TOOTH NEUROPATHY, DOMINANT INTERMEDIATE C. Identifiers: Orphanet 100045, MedGen C1842237, MONDO:0012012, OMIM 608323.

Allele frequency attached by ClinVar (database versions not stated): TOPMed 0.00002; gnomAD 0.00003; ExAC 0.00001; gnomAD exomes 0.00001.
gnomAD v4.1: 33 of 1,612,968 alleles (0.002%); highest among the groups gnomAD compares: Non-Finnish European, 0.0027%; no homozygotes.

Submissions (2):

CeGaT Center for Human Genetics Tuebingen
Classification: Uncertain significance. Last evaluated: 2026-09-01. Review status: criteria provided, single submitter. Criteria: CeGaT Center For Human Genetics Tuebingen Variant Classification Criteria Version 2. Collection method: clinical testing. Allele origin: germline. Affected: yes. Observed: 1 variant allele.

Labcorp Genetics (formerly Invitae), Labcorp
Classification: Uncertain significance for Charcot-Marie-Tooth disease dominant intermediate C. Last evaluated: 2025-01-15. Review status: criteria provided, single submitter. Criteria: Invitae Variant Classification Sherloc (09022015). Collection method: clinical testing. Allele origin: germline.
Comment: This sequence change replaces threonine, which is neutral and polar, with serine, which is neutral and polar, at codon 121 of the YARS protein (p.Thr121Ser). This variant is present in population databases (rs748842928, gnomAD 0.002%). This variant has not been reported in the literature in individuals affected with YARS-related conditions. ClinVar contains an entry for this variant (Variation ID: 959476). Invitae Evidence Modeling of protein sequence and biophysical properties (such as structural, functional, and spatial information, amino acid conservation, physicochemical variation, residue mobility, and thermodynamic stability) indicates that this missense variant is not expected to disrupt YARS protein function with a negative predictive value of 80%. In summary, the available evidence is currently insufficient to determine the role of this variant in disease. Therefore, it has been classified as a Variant of Uncertain Significance.